The following is an entry in ClinVar:

NM_000245.4(MET):c.3973G>A (p.Glu1325Lys)

Gene: MET (MET proto-oncogene, receptor tyrosine kinase; plus strand). Cytogenetic location: 7q31.2.
Variant type: single nucleotide variant.
Coding change: c.3973G>A on transcript NM_000245.4 (MANE Select); coding-DNA position 3973, G replaced by A.
Protein change: p.Glu1325Lys; replaces glutamic acid 1325 with lysine.
Molecular consequence: missense variant.
Genome position (GRCh38, 1-based): chr7:116,795,924, G>A. VCF-style: chr7-116795924-G-A. GRCh37 (hg19) VCF-style: chr7-116435978-G-A.
Other names: c.4027G>A (LRG_662t1); c.4027G>A, p.Glu1343Lys (NM_001127500.3); c.2683G>A, p.Glu895Lys (NM_001324402.2); short protein forms E1343K, E1325K, E895K.
Identifiers: ClinVar variation 134650 (VCV000134650.16), dbSNP rs587778444, ClinGen allele CA160447.

ClinVar aggregate classification (germline): Uncertain significance. Review status: criteria provided, multiple submitters, no conflicts (2 of 4 stars). 5 submissions from 5 submitters: Uncertain significance (4). 1 of the submissions does not count toward it. Last evaluated 2025-07-03.

Conditions:
Arthrogryposis, distal, IIa 11. Also called: Arthrogryposis, distal, type 11. Identifiers: MedGen C5774205, MONDO:0031045, OMIM 620019.
Papillary renal cell carcinoma type 1 (RCCP1). Also called: RENAL CELL CARCINOMA, PAPILLARY, 1, SOMATIC; Renal adenocarcinoma; Renal cell carcinoma 1; Renal cell carcinoma, somatic. Identifiers: Orphanet 47044, MedGen C1336839, OMIM 605074, HP:0011797.
Autosomal recessive nonsyndromic hearing loss 97. Also called: Deafness, autosomal recessive 97. Identifiers: Orphanet 90636, MedGen C4084709, MONDO:0014739, OMIM 616705.
Osteofibrous dysplasia (OSFD). Also called: Tibia, bowing of, with pseudarthrosis and pectus excavatum. Identifiers: Orphanet 488265, MedGen C4085248, MONDO:0011806, OMIM 607278.
Hepatocellular carcinoma (HCC). Also called: HEPATOMA; LIVER CELL CARCINOMA; Primary carcinoma of liver. Identifiers: Orphanet 88673, MedGen C2239176, MONDO:0007256, OMIM 114550, HP:0001402.
Renal cell carcinoma. Identifiers: Orphanet 217071, MedGen C0007134, MeSH D002292, MONDO:0005086, HP:0005584.
Hereditary cancer-predisposing syndrome. Also called: Tumor predisposition; Hereditary neoplastic syndrome; Neoplastic Syndromes, Hereditary; Hereditary Cancer Syndrome. Identifiers: Orphanet 140162, MedGen C0027672, MeSH D009386, MONDO:0015356.

Allele frequency attached by ClinVar (database versions not stated): TOPMed below 0.00001; gnomAD 0.00001; gnomAD exomes 0.00001.
gnomAD v4.1: 10 of 1,614,066 alleles (0.00062%); highest among the groups gnomAD compares: East Asian, 0.0067%; no homozygotes.

Submissions (5):

Labcorp Genetics (formerly Invitae), Labcorp
Classification: Uncertain significance for Renal cell carcinoma. Last evaluated: 2025-07-03. Review status: criteria provided, single submitter. Criteria: Invitae Variant Classification Sherloc (09022015). Collection method: clinical testing. Allele origin: germline.
Comment: This sequence change replaces glutamic acid, which is acidic and polar, with lysine, which is basic and polar, at codon 1343 of the MET protein (p.Glu1343Lys). This variant is present in population databases (rs587778444, gnomAD 0.06%). This variant has not been reported in the literature in individuals affected with MET-related conditions. ClinVar contains an entry for this variant (Variation ID: 134650). Invitae Evidence Modeling of protein sequence and biophysical properties (such as structural, functional, and spatial information, amino acid conservation, physicochemical variation, residue mobility, and thermodynamic stability) has been performed for this missense variant. However, the output from this modeling did not meet the statistical confidence thresholds required to predict the impact of this variant on MET protein function. In summary, the available evidence is currently insufficient to determine the role of this variant in disease. Therefore, it has been classified as a Variant of Uncertain Significance.

Fulgent Genetics
Classification: Uncertain significance for Hepatocellular carcinoma; Papillary renal cell carcinoma type 1; Osteofibrous dysplasia; Autosomal recessive nonsyndromic hearing loss 97; Arthrogryposis, distal, IIa 11. Last evaluated: 2024-05-10. Review status: criteria provided, single submitter. Criteria: ACMG Guidelines, 2015. Collection method: clinical testing. Allele origin: germline.

Baylor Genetics
Classification: Uncertain significance for Autosomal recessive nonsyndromic hearing loss 97. Last evaluated: 2024-03-06. Review status: criteria provided, single submitter. Criteria: ACMG Guidelines, 2015. Collection method: clinical testing. Allele origin: unknown.

Ambry Genetics
Classification: Uncertain significance for Hereditary cancer-predisposing syndrome. Last evaluated: 2024-03-01. Review status: criteria provided, single submitter. Criteria: Ambry Variant Classification Scheme 2023. Collection method: clinical testing. Allele origin: germline.
Comment: The p.E1343K variant (also known as c.4027G>A), located in coding exon 20 of the MET gene, results from a G to A substitution at nucleotide position 4027. The glutamic acid at codon 1343 is replaced by lysine, an amino acid with similar properties. This amino acid position is highly conserved in available vertebrate species. In addition, this alteration is predicted to be deleterious by in silico analysis. Based on the available evidence, the clinical significance of this alteration remains unclear.

ITMI
No classification provided. Condition: AllHighlyPenetrant. Last evaluated: 2013-09-19. Review status: no classification provided. Collection method: reference population. Allele origin: germline. Not counted in ClinVar's aggregate classification.
Comment: Please see associated publication for description of ethnicities

Literature cited by the submitters: PubMed 24728327 (cited by ITMI).